The following is an entry in ClinVar:

ClinVar aggregate classification (germline): Likely benign. Review status: criteria provided, multiple submitters, no conflicts (2 of 4 stars). 5 submissions from 5 submitters: Likely benign (5). Last evaluated 2026-07-01.

Conditions:
Developmental and epileptic encephalopathy, 48 (DEE48). Also called: Epileptic encephalopathy, early infantile, 48. Identifiers: MedGen C4310637, MONDO:0015000, OMIM 617276.
AP3B2-related disorder. Also called: AP3B2-related condition.

Allele frequency attached by ClinVar (database versions not stated): 1000 Genomes Project 30x 0.00031; 1000 Genomes Project 0.00040; ExAC 0.00040; gnomAD exomes 0.00045 and 0.00107; TOPMed 0.00047; gnomAD 0.00051 and 0.00053; ESP Exome Variant Server 0.00080.
gnomAD v4.1: 1,609 of 1,613,962 alleles (0.1%); highest among the groups gnomAD compares: Non-Finnish European, 0.13%; 2 homozygotes.

Submissions (5):

CeGaT Center for Human Genetics Tuebingen
Classification: Likely benign. Last evaluated: 2026-07-01. Review status: criteria provided, single submitter. Criteria: CeGaT Center For Human Genetics Tuebingen Variant Classification Criteria Version 2. Collection method: clinical testing. Allele origin: germline. Affected: yes. Observed: 5 variant alleles.
Comment: AP3B2: BP4, BP7

Labcorp Genetics (formerly Invitae), Labcorp
Classification: Likely benign. Last evaluated: 2026-01-21. Review status: criteria provided, single submitter. Criteria: Invitae Variant Classification Sherloc (09022015). Collection method: clinical testing. Allele origin: germline.

PreventionGenetics, part of Exact Sciences
Classification: Likely benign for AP3B2-related condition. Last evaluated: 2025-05-29. Review status: criteria provided, single submitter. Criteria: ACMG Guidelines, 2015. Collection method: clinical testing. Allele origin: germline.
Comment: This variant is classified as likely benign based on ACMG/AMP sequence variant interpretation guidelines (Richards et al. 2015 PMID: 25741868, with internal and published modifications).

Blueprint Genetics
Classification: Likely benign. Last evaluated: 2024-10-21. Review status: criteria provided, single submitter. Criteria: ACMG Guidelines, 2015. Collection method: clinical testing. Allele origin: germline.

ARUP Laboratories, Molecular Genetics and Genomics, ARUP Laboratories
Classification: Likely benign for Developmental and epileptic encephalopathy, 48. Last evaluated: 2024-06-06. Review status: criteria provided, single submitter. Criteria: ARUP Molecular Germline Variant Investigation Process 2024. Collection method: clinical testing. Allele origin: germline.

NM_001278512.2(AP3B2):c.3138G>A (p.Gly1046=)

Genes: AP3B2 (adaptor related protein complex 3 subunit beta 2; minus strand), CPEB1-AS1 (CPEB1 antisense RNA 1; plus strand). Cytogenetic location: 15q25.2.
Variant type: single nucleotide variant.
Coding change: c.3138G>A on transcript NM_001278512.2 (MANE Select); coding-DNA position 3138, G replaced by A.
Protein change: p.Gly1046=; no amino-acid change (glycine 1046 retained).
Molecular consequence: synonymous variant.
Genome position (GRCh38, 1-based): chr15:82,659,862, C>T on the plus strand (G>A on the coding strand, the complement: AP3B2 is on the minus strand). VCF-style: chr15-82659862-C-T. GRCh37 (hg19) VCF-style: chr15-83328614-C-T.
Other names: c.2985G>A, p.Gly995= (NM_001278511.2); c.270G>A, p.Gly90= (NM_001348441.2); c.3081G>A, p.Gly1027= (NM_004644.5).
Identifiers: ClinVar variation 736006 (VCV000736006.37), dbSNP rs192273476, ClinGen allele CA7699692.